The following is an entry in ClinVar:

NM_005359.6(SMAD4):c.1351_1375del (p.Ala451fs)

Gene: SMAD4 (SMAD family member 4; plus strand). Cytogenetic location: 18q21.2.
Variant type: Deletion.
Coding change: c.1351_1375del on transcript NM_005359.6 (MANE Select); coding-DNA positions 1351 to 1375, 25 bases deleted (GCGGCTACTGCACAAGCTGCAGCAG).
Protein change: p.Ala451fs; shifts the reading frame from alanine 451.
Molecular consequence: frameshift variant.
Genome position (GRCh38, 1-based): chr18:51,076,680-51,076,704, GCGGCTACTGCACAAGCTGCAGCAG deleted; deleting any 25 consecutive bases within chr18:51,076,673-51,076,704 gives the same sequence; the c. name uses the placement nearest the transcript's 3' end. VCF-style (leftmost placement, unchanged base first): chr18-51076672-AGCAGCAGGCGGCTACTGCACAAGCT-A. GRCh37 (hg19) VCF-style: chr18-48603042-AGCAGCAGGCGGCTACTGCACAAGCT-A.
Other names: c.1351_1375del25 (NM_005359.6); c.1351_1375delGCGGCTACTGCACAAGCTGCAGCAG (NM_005359.5).
Identifiers: ClinVar variation 127949 (VCV000127949.15), dbSNP rs587780124, ClinGen allele CA168695.

ClinVar aggregate classification (germline): Pathogenic/Likely pathogenic. Review status: criteria provided, multiple submitters, no conflicts (2 of 4 stars). 6 submissions from 5 submitters: Pathogenic (5); Likely pathogenic (1). Last evaluated 2024-02-14.
ClinVar aggregate classification (oncogenicity): Likely oncogenic (1 of 4 stars; one submission).

Conditions:
Juvenile polyposis syndrome (JPS). Identifiers: Orphanet 2929, MedGen C0345893, MONDO:0017380, OMIM 174900.
Hereditary cancer-predisposing syndrome. Also called: Tumor predisposition; Hereditary neoplastic syndrome; Neoplastic Syndromes, Hereditary; Hereditary Cancer Syndrome. Identifiers: Orphanet 140162, MedGen C0027672, MeSH D009386, MONDO:0015356.
Familial thoracic aortic aneurysm and aortic dissection (TAAD). Also called: Thoracic aortic aneurysms and dissections. Identifiers: Orphanet 91387, MedGen C4707243, MONDO:0019625.
Juvenile polyposis/hereditary hemorrhagic telangiectasia syndrome (JPHT). Also called: JP/HHT SYNDROME; JUVENILE POLYPOSIS WITH HEREDITARY HEMORRHAGIC TELANGIECTASIA; POLYPOSIS, GENERALIZED JUVENILE, WITH PULMONARY ARTERIOVENOUS MALFORMATION; TELANGIECTASIA, HEREDITARY HEMORRHAGIC, WITH JUVENILE POLYPOSIS COLI; Juvenile Polyposis Syndrome / Hereditary Hemorrhagic Telangiectasia (JPS/HHT). Identifiers: Orphanet 2929, MedGen C1832942, MONDO:0008278, OMIM 175050.
Neoplasm. Also called: Neoplasms; Neoplasm (disease); tumor. Identifiers: MedGen C0027651, MeSH D009369, MONDO:0005070, HP:0002664.

Submissions (7):

Center for Genomic Medicine, Rigshospitalet, Copenhagen University Hospital
Classification: Likely oncogenic for Neoplasm. Last evaluated: 2026-10-16. Review status: criteria provided, single submitter. Criteria: ClinGen/CGC/VICC Guidelines for Oncogenicity, 2022. Collection method: clinical testing. Allele origin: somatic. Affected: yes.

Labcorp Genetics (formerly Invitae), Labcorp
Classification: Pathogenic for Juvenile polyposis syndrome. Last evaluated: 2024-02-14. Review status: criteria provided, single submitter. Criteria: Invitae Variant Classification Sherloc (09022015). Collection method: clinical testing. Allele origin: germline.
Comment: This sequence change creates a premature translational stop signal (p.Ala451Leufs*17) in the SMAD4 gene. While this is not anticipated to result in nonsense mediated decay, it is expected to disrupt the last 102 amino acid(s) of the SMAD4 protein. This variant is not present in population databases (gnomAD no frequency). This premature translational stop signal has been observed in individual(s) with SMAD4-related conditions (PMID: 24763289, 26681312). ClinVar contains an entry for this variant (Variation ID: 127949). This variant disrupts a region of the SMAD4 protein in which other variant(s) (p.Ala532Profs*5) have been determined to be pathogenic (PMID: 15031030). This suggests that this is a clinically significant region of the protein, and that variants that disrupt it are likely to be disease-causing. For these reasons, this variant has been classified as Pathogenic.

Myriad Genetics, Inc.
Classification: Pathogenic for Juvenile polyposis/hereditary hemorrhagic telangiectasia syndrome. Last evaluated: 2024-02-09. Review status: criteria provided, single submitter. Criteria: Myriad Autosomal Dominant, Autosomal Recessive and X-Linked Classification Criteria (2023). Collection method: clinical testing. Allele origin: unknown.
Comment: This variant is considered pathogenic. This variant creates a frameshift predicted to result in premature protein truncation.

Ambry Genetics
Classification: Pathogenic for Hereditary cancer-predisposing syndrome; Familial thoracic aortic aneurysm and aortic dissection. Last evaluated: 2023-08-28. Review status: criteria provided, single submitter. Criteria: Ambry Variant Classification Scheme 2023. Collection method: clinical testing. Allele origin: germline.
Comment: The c.1351_1375del25 pathogenic mutation, located in coding exon 10 of the SMAD4 gene, results from a deletion of 25 nucleotides at nucleotide positions 1351 to 1375, causing a translational frameshift with a predicted alternate stop codon (p.A451Lfs*17). This alteration is expected to result in loss of function by premature protein truncation. As such, this alteration is interpreted as a disease-causing mutation.

Mayo Clinic Laboratories, Mayo Clinic
Classification: Likely pathogenic. Last evaluated: 2021-05-10. Review status: criteria provided, single submitter. Criteria: ACMG Guidelines, 2015. Collection method: clinical testing. Allele origin: germline.
Comment: PM2, PVS1

GeneDx
Classification: Pathogenic. Last evaluated: 2015-03-16. Review status: criteria provided, single submitter. Criteria: GeneDx Variant Classification (06012015). Collection method: clinical testing. Allele origin: germline. Affected: yes.
Comment: This pathogenic variant is denoted SMAD4 c.1351_1375del25 at the cDNA level and p.Ala451LeufsX17 (A451LfsX17) at the protein level. The normal sequence with the bases that are deleted in brackets is GCAG[del25]CTGC. The deletion causes a frameshift, changing an Alanine to a Leucine at codon 451, and creating a premature stop codon at position 17 of the new reading frame. This variant is predicted to cause loss of normal protein function by way of protein truncation. SMAD4 c.1351_1375del25 has been reported as a somatic change in one colon tumor according to the Catalogue of Somatic Mutations in Cancer. Although this variant has not been previously reported as a germline pathogenic variant to our knowledge, it is considered pathogenic.

Ambry Genetics
Classification: Pathogenic for Hereditary cancer-predisposing syndrome. Last evaluated: 2013-04-17. Review status: criteria provided, single submitter. Criteria: Ambry Autosomal Dominant and X-Linked criteria (10/2015). Collection method: clinical testing. Allele origin: germline. Observed: 1 variant allele.
Comment: Alterations resulting in premature truncation (e.g.reading frame shift, nonsense)

Literature cited by the submitters: PubMed 24763289 (cited by Labcorp Genetics (formerly Invitae), Labcorp and Mayo Clinic Laboratories, Mayo Clinic); PubMed 26681312 (cited by Labcorp Genetics (formerly Invitae), Labcorp and Mayo Clinic Laboratories, Mayo Clinic); PubMed 15031030 (cited by Labcorp Genetics (formerly Invitae), Labcorp).